The following is an entry in ClinVar:

NM_005609.4(PYGM):c.951C>T (p.Phe317=)

Gene: PYGM (glycogen phosphorylase, muscle associated; minus strand). Cytogenetic location: 11q13.1.
Variant type: single nucleotide variant.
Coding change: c.951C>T on transcript NM_005609.4 (MANE Select); coding-DNA position 951, C replaced by T.
Protein change: p.Phe317=; no amino-acid change (phenylalanine 317 retained).
Molecular consequence: synonymous variant.
Genome position (GRCh38, 1-based): chr11:64,754,741, G>A on the plus strand (C>T on the coding strand, the complement: PYGM is on the minus strand). VCF-style: chr11-64754741-G-A. GRCh37 (hg19) VCF-style: chr11-64522213-G-A.
Other names: c.687C>T, p.Phe229= (NM_001164716.1).
Identifiers: ClinVar variation 738831 (VCV000738831.36), dbSNP rs71581789, ClinGen allele CA6080070.

ClinVar aggregate classification (germline): Likely benign. Review status: criteria provided, multiple submitters, no conflicts (2 of 4 stars). 4 submissions from 4 submitters: Likely benign (3). 1 of the submissions does not count toward it. Last evaluated 2025-11-23.

Conditions:
Glycogen storage disease, type V (GSD5). Also called: McArdle type glycogen storage disease; MCARDLE DISEASE; MUSCLE GLYCOGEN PHOSPHORYLASE DEFICIENCY; MYOPHOSPHORYLASE DEFICIENCY; PYGM DEFICIENCY. Identifiers: Orphanet 368, MedGen C0017924, MONDO:0009293, OMIM 232600.

Allele frequency attached by ClinVar (database versions not stated): gnomAD 0.00015 and 0.00016; 1000 Genomes Project 30x 0.00016; TOPMed 0.00017; 1000 Genomes Project 0.00020; ESP Exome Variant Server 0.00023; gnomAD exomes 0.00004 and 0.00010; ExAC 0.00011.
gnomAD v4.1: 89 of 1,613,794 alleles (0.0055%); highest among the groups gnomAD compares: Middle Eastern, 0.084%; 1 homozygote.

Submissions (4):

Labcorp Genetics (formerly Invitae), Labcorp
Classification: Likely benign for Glycogen storage disease, type V. Last evaluated: 2025-11-23. Review status: criteria provided, single submitter. Criteria: Invitae Variant Classification Sherloc (09022015). Collection method: clinical testing. Allele origin: germline.

Blueprint Genetics
Classification: Likely benign. Last evaluated: 2023-12-14. Review status: criteria provided, single submitter. Criteria: ACMG Guidelines, 2015. Collection method: clinical testing. Allele origin: germline.

CeGaT Center for Human Genetics Tuebingen
Classification: Likely benign. Last evaluated: 2022-06-01. Review status: criteria provided, single submitter. Criteria: CeGaT Center For Human Genetics Tuebingen Variant Classification Criteria Version 2. Collection method: clinical testing. Allele origin: germline. Affected: yes. Observed: 1 variant allele.
Comment: PYGM: BP4, BP7

Natera, Inc.
Classification: Uncertain significance for Glycogen storage disease V. Last evaluated: 2020-04-14. Review status: no assertion criteria provided. Collection method: clinical testing. Allele origin: germline. Not counted in ClinVar's aggregate classification.